The following is an entry in ClinVar:

NM_000492.4(CFTR):c.1614T>C (p.Asn538=)

Genes: CFTR (CF transmembrane conductance regulator; plus strand), LOC111674475 (CFTR intron 11 enhancer; plus strand). Cytogenetic location: 7q31.2.
Variant type: single nucleotide variant.
Coding change: c.1614T>C on transcript NM_000492.4 (MANE Select); coding-DNA position 1614, T replaced by C.
Protein change: p.Asn538=; no amino-acid change (asparagine 538 retained).
Molecular consequence: synonymous variant.
Genome position (GRCh38, 1-based): chr7:117,587,768, T>C. VCF-style: chr7-117587768-T-C. GRCh37 (hg19) VCF-style: chr7-117227822-T-C.
Identifiers: ClinVar variation 4001863 (VCV004001863.2).
Genomic context (GRCh38, chr7:117,587,768, plus strand): 5'-TGACTCTCTAATTTTCTATTTTTGGTAATAGGACATCTCCAAGTTTGCAGAGAAAGACAA[T>C]ATAGTTCTTGGAGAAGGTGGAATCACACTGAGTGGAGGTCAACGAGCAAGAATTTCTTTA-3'
Protein context (NP_000483.3, residues 528-548): EDISKFAEKD[Asn538=]IVLGEGGITL

ClinVar aggregate classification (germline): Likely benign. Review status: criteria provided, multiple submitters, no conflicts (2 of 4 stars). 2 submissions from 2 submitters: Likely benign (2). Last evaluated 2026-04-08.

Conditions:
Cystic fibrosis (CF). Also called: MUCOVISCIDOSIS. Identifiers: Orphanet 586, MedGen C0010674, MONDO:0009061, OMIM 219700. Disease mechanism: loss of function.

gnomAD v4.1: 1 of 1,611,454 alleles (0.000062%); highest among the groups gnomAD compares: Non-Finnish European, 0.000085%; no homozygotes.

Submissions (2):

Women's Health and Genetics/Laboratory Corporation of America, LabCorp
Classification: Likely benign. Last evaluated: 2026-04-08. Review status: criteria provided, single submitter. Criteria: LabCorp Variant Classification Summary - May 2015. Collection method: clinical testing. Allele origin: germline.
Comment: Variant summary: CFTR c.1614T>C alters a conserved nucleotide resulting in a synonymous change. Consensus agreement among computation tools predict no significant impact on normal splicing. However, these predictions have yet to be confirmed by functional studies. The variant allele was found at a frequency of 4e-06 in 250918 control chromosomes. The available data on variant occurrences in the general population are insufficient to allow any conclusion about variant significance. To our knowledge, no occurrence of c.1614T>C in individuals affected with CFTR-related conditions and no experimental evidence demonstrating its impact on protein function have been reported. ClinVar contains an entry for this variant (Variation ID: 4001863). Based on the evidence outlined above, the variant was classified as likely benign.

Ambry Genetics
Classification: Likely benign for Cystic fibrosis. Last evaluated: 2025-05-16. Review status: criteria provided, single submitter. Criteria: Ambry Variant Classification Scheme 2023. Collection method: clinical testing. Allele origin: germline.